The following is an entry in ClinVar:

NM_001244008.2(KIF1A):c.3705C>A (p.Asp1235Glu)

Gene: KIF1A (kinesin family member 1A; minus strand). Cytogenetic location: 2q37.3.
Variant type: single nucleotide variant.
Coding change: c.3705C>A on transcript NM_001244008.2 (MANE Select); coding-DNA position 3705, C replaced by A.
Protein change: p.Asp1235Glu; replaces aspartic acid 1235 with glutamic acid.
Molecular consequence: missense variant.
Genome position (GRCh38, 1-based): chr2:240,741,313, G>T on the plus strand (C>A on the coding strand, the complement: KIF1A is on the minus strand). VCF-style: chr2-240741313-G-T. GRCh37 (hg19) VCF-style: chr2-241680730-G-T.
Other names: c.3429C>A, p.Asp1143Glu (NM_001320705.2, NM_001330289.2, NM_001379638.1); c.3504C>A, p.Asp1168Glu (NM_001330290.2, NM_001379634.1, NM_001379635.1 and 1 more transcripts); c.3780C>A, p.Asp1260Glu (NM_001379631.1); c.3654C>A, p.Asp1218Glu (NM_001379632.1); c.3678C>A, p.Asp1226Glu (NM_001379633.1, NM_001379642.1, NM_001379645.1); c.3402C>A, p.Asp1134Glu (NM_001379636.1, NM_001379639.1, NM_001379641.1 and 5 more transcripts); c.3477C>A, p.Asp1159Glu (NM_001379637.1, NM_001379648.1); c.3399C>A, p.Asp1133Glu (NM_001379640.1); short protein forms D1235E, D1159E, D1168E, D1218E, D1226E, D1133E, D1134E, D1143E.
Identifiers: ClinVar variation 1363482 (VCV001363482.6), dbSNP rs1032134160, ClinGen allele CA68152873.

ClinVar aggregate classification (germline): Uncertain significance (1 of 4 stars; one submission).

Conditions:
Hereditary spastic paraplegia 30. Identifiers: Orphanet 101010, MedGen C5235139, MONDO:0012476.
Neuropathy, hereditary sensory, type 2C. Also called: Hereditary sensory and autonomic neuropathy type IIC; KIF1A-Related HSAN2 (HSAN2C). Identifiers: Orphanet 970, MedGen C3280168, MONDO:0013634, OMIM 614213.
Intellectual disability, autosomal dominant 9 (NESCAVS). Also called: NESCAV SYNDROME; KIF1A-Related Neurodevelopmental Disorder. Identifiers: Orphanet 662367, MedGen C5393830, MONDO:0013656, OMIM 614255.

Submission:

Labcorp Genetics (formerly Invitae), Labcorp
Classification: Uncertain significance for Hereditary spastic paraplegia 30; Neuropathy, hereditary sensory, type 2C; Intellectual disability, autosomal dominant 9. Last evaluated: 2023-08-17. Review status: criteria provided, single submitter. Criteria: Invitae Variant Classification Sherloc (09022015). Collection method: clinical testing. Allele origin: germline.
Comment: This variant has not been reported in the literature in individuals affected with KIF1A-related conditions. In summary, the available evidence is currently insufficient to determine the role of this variant in disease. Therefore, it has been classified as a Variant of Uncertain Significance. Advanced modeling of protein sequence and biophysical properties (such as structural, functional, and spatial information, amino acid conservation, physicochemical variation, residue mobility, and thermodynamic stability) performed at Invitae indicates that this missense variant is not expected to disrupt KIF1A protein function. ClinVar contains an entry for this variant (Variation ID: 1363482). This variant is not present in population databases (gnomAD no frequency). This sequence change replaces aspartic acid, which is acidic and polar, with glutamic acid, which is acidic and polar, at codon 1134 of the KIF1A protein (p.Asp1134Glu).